The following is an entry in ClinVar:

NM_002471.4(MYH6):c.2578C>T (p.Arg860Cys)

Gene: MYH6 (myosin heavy chain 6; minus strand). Cytogenetic location: 14q11.2.
Variant type: single nucleotide variant.
Coding change: c.2578C>T on transcript NM_002471.4 (MANE Select); coding-DNA position 2578, C replaced by T.
Protein change: p.Arg860Cys; replaces arginine 860 with cysteine.
Molecular consequence: missense variant.
Genome position (GRCh38, 1-based): chr14:23,394,175, G>A on the plus strand (C>T on the coding strand, the complement: MYH6 is on the minus strand). VCF-style: chr14-23394175-G-A. GRCh37 (hg19) VCF-style: chr14-23863384-G-A.
Other names: short protein forms R860C.
Identifiers: ClinVar variation 470516 (VCV000470516.17), dbSNP rs1025146248, ClinGen allele CA257787455.

ClinVar aggregate classification (germline): Uncertain significance. Review status: criteria provided, multiple submitters, no conflicts (2 of 4 stars). 4 submissions from 4 submitters: Uncertain significance (4). Last evaluated 2025-04-01.

Conditions:
Hypertrophic cardiomyopathy 14. Identifiers: MedGen C2750467, MONDO:0013197, OMIM 613251.
Cardiovascular phenotype. Identifiers: MedGen CN230736.
Hypertrophic cardiomyopathy 1 (CMH1). Also called: MYH7-Related Familial Hypertrophic Cardiomyopathy; Familial hypertrophic cardiomyopathy 1. Identifiers: MedGen C3495498, MONDO:0008647, OMIM 192600.
Sick sinus syndrome 3, susceptibility to (SSS3). Identifiers: Orphanet 166282, MedGen C3279791, MONDO:0013568, OMIM 614090.
Atrial septal defect 3 (ASD3). Identifiers: Orphanet 1478, MedGen C3279790, MONDO:0013567, OMIM 614089.
Dilated cardiomyopathy 1EE (CMD1EE). Identifiers: Orphanet 154, MedGen C2750466, MONDO:0013198, OMIM 613252.

Allele frequency attached by ClinVar (database versions not stated): gnomAD 0.00001; TOPMed 0.00002.
gnomAD v4.1: 57 of 1,614,028 alleles (0.0035%); highest among the groups gnomAD compares: East Asian, 0.018%; no homozygotes.

Submissions (4):

Labcorp Genetics (formerly Invitae), Labcorp
Classification: Uncertain significance for Hypertrophic cardiomyopathy 14. Last evaluated: 2025-04-01. Review status: criteria provided, single submitter. Criteria: Invitae Variant Classification Sherloc (09022015). Collection method: clinical testing. Allele origin: germline.
Comment: This sequence change replaces arginine, which is basic and polar, with cysteine, which is neutral and slightly polar, at codon 860 of the MYH6 protein (p.Arg860Cys). This variant is present in population databases (no rsID available, gnomAD 0.0009%). This missense change has been observed in individual(s) with restrictive cardiomyopathy or hypertrophic cardiomyopathy (PMID: 25351510, 29907873). ClinVar contains an entry for this variant (Variation ID: 470516). Invitae Evidence Modeling of protein sequence and biophysical properties (such as structural, functional, and spatial information, amino acid conservation, physicochemical variation, residue mobility, and thermodynamic stability) indicates that this missense variant is expected to disrupt MYH6 protein function with a positive predictive value of 80%. In summary, the available evidence is currently insufficient to determine the role of this variant in disease. Therefore, it has been classified as a Variant of Uncertain Significance.

Ambry Genetics
Classification: Uncertain significance for Cardiovascular phenotype. Last evaluated: 2024-01-25. Review status: criteria provided, single submitter. Criteria: Ambry Variant Classification Scheme 2023. Collection method: clinical testing. Allele origin: germline.
Comment: The p.R860C variant (also known as c.2578C>T), located in coding exon 19 of the MYH6 gene, results from a C to T substitution at nucleotide position 2578. The arginine at codon 860 is replaced by cysteine, an amino acid with highly dissimilar properties. This amino acid position is not well conserved in available vertebrate species. In addition, the in silico prediction for this alteration is inconclusive. Based on the available evidence, the clinical significance of this alteration remains unclear.

Fulgent Genetics
Classification: Uncertain significance for Hypertrophic cardiomyopathy 1; Hypertrophic cardiomyopathy 14; Dilated cardiomyopathy 1EE; Atrial septal defect 3; Sick sinus syndrome 3, susceptibility to. Last evaluated: 2021-08-12. Review status: criteria provided, single submitter. Criteria: ACMG Guidelines, 2015. Collection method: clinical testing. Allele origin: unknown.

Stanford Center for Inherited Cardiovascular Disease, Stanford University
Classification: Uncertain significance. Last evaluated: 2017-05-09. Review status: criteria provided, single submitter. Criteria: ACMG Guidelines, 2015. Collection method: provider interpretation. Allele origin: germline.

Literature cited by the submitters: PubMed 25351510 (cited by Labcorp Genetics (formerly Invitae), Labcorp and Ambry Genetics); PubMed 29907873 (cited by Labcorp Genetics (formerly Invitae), Labcorp).